The following is an entry in ClinVar:

NM_000875.5(IGF1R):c.3935C>T (p.Ser1312Phe)

Gene: IGF1R (insulin like growth factor 1 receptor; plus strand). Cytogenetic location: 15q26.3.
Variant type: single nucleotide variant.
Coding change: c.3935C>T on transcript NM_000875.5 (MANE Select); coding-DNA position 3935, C replaced by T.
Protein change: p.Ser1312Phe; replaces serine 1312 with phenylalanine.
Molecular consequence: missense variant.
Genome position (GRCh38, 1-based): chr15:98,957,273, C>T. VCF-style: chr15-98957273-C-T. GRCh37 (hg19) VCF-style: chr15-99500502-C-T.
Other names: c.3935C>T (NM_000875.3); c.3932C>T, p.Ser1311Phe (NM_001291858.2); short protein forms S1311F, S1312F.
Identifiers: ClinVar variation 1964891 (VCV001964891.6), dbSNP rs746673171, ClinGen allele CA7752835.

ClinVar aggregate classification (germline): Uncertain significance. Review status: criteria provided, multiple submitters, no conflicts (2 of 4 stars). 2 submissions from 2 submitters: Uncertain significance (2). Last evaluated 2025-07-02.

Conditions:
Inborn genetic diseases. Identifiers: MedGen C0950123, MeSH D030342.

Allele frequency attached by ClinVar (database versions not stated): ExAC 0.00001; gnomAD exomes 0.00001.
gnomAD v4.1: 13 of 1,614,032 alleles (0.00081%); highest among the groups gnomAD compares: South Asian, 0.0088%; no homozygotes.

Submissions (2):

Ambry Genetics
Classification: Uncertain significance for Inborn genetic diseases. Last evaluated: 2025-07-02. Review status: criteria provided, single submitter. Criteria: Ambry Variant Classification Scheme 2023. Collection method: clinical testing. Allele origin: germline.

Labcorp Genetics (formerly Invitae), Labcorp
Classification: Uncertain significance. Last evaluated: 2022-05-17. Review status: criteria provided, single submitter. Criteria: Invitae Variant Classification Sherloc (09022015). Collection method: clinical testing. Allele origin: germline.
Comment: In summary, the available evidence is currently insufficient to determine the role of this variant in disease. Therefore, it has been classified as a Variant of Uncertain Significance. Algorithms developed to predict the effect of missense changes on protein structure and function are either unavailable or do not agree on the potential impact of this missense change (SIFT: "Deleterious"; PolyPhen-2: "Benign"; Align-GVGD: "Class C0"). This variant has not been reported in the literature in individuals affected with IGF1R-related conditions. This variant is not present in population databases (gnomAD no frequency). This sequence change replaces serine, which is neutral and polar, with phenylalanine, which is neutral and non-polar, at codon 1312 of the IGF1R protein (p.Ser1312Phe).